The following is an entry in ClinVar:

NM_201384.3(PLEC):c.8227G>A (p.Val2743Met)

Gene: PLEC (plectin; minus strand). Cytogenetic location: 8q24.3.
Variant type: single nucleotide variant.
Coding change: c.8227G>A on transcript NM_201384.3 (MANE Select); coding-DNA position 8227, G replaced by A.
Protein change: p.Val2743Met; replaces valine 2743 with methionine.
Molecular consequence: missense variant.
Genome position (GRCh38, 1-based): chr8:143,921,594, C>T on the plus strand (G>A on the coding strand, the complement: PLEC is on the minus strand). VCF-style: chr8-143921594-C-T. GRCh37 (hg19) VCF-style: chr8-144995762-C-T.
Other names: c.8308G>A, p.Val2770Met (NM_000445.5); c.8185G>A, p.Val2729Met (NM_201378.4); c.8161G>A, p.Val2721Met (NM_201379.3); c.8638G>A, p.Val2880Met (NM_201380.4); c.8131G>A, p.Val2711Met (NM_201381.3); c.8227G>A, p.Val2743Met (NM_201382.4); c.8239G>A, p.Val2747Met (NM_201383.3); short protein forms V2743M, V2711M, V2729M, V2747M, V2880M, V2770M, V2721M.
Identifiers: ClinVar variation 581494 (VCV000581494.51), dbSNP rs781889659, ClinGen allele CA4925391.
Genomic context (GRCh38, chr8:143,921,594, plus strand): 5'-GCTCGGGGCCCACCACACCCTCCTTCACAGCCTCGTTGACGGTCAGCCGCCGGTTCCGCA[C>T]AGGGTCCAGCAGGAAGCCTGAGGCCGCCTGCGCCTCCAGCAGGATGAGGGCCGTGCCGGG-3'
Protein context (NP_958786.1, residues 2733-2753): QAASGFLLDP[Val2743Met]RNRRLTVNEA

ClinVar aggregate classification (germline): Conflicting classifications of pathogenicity. Review status: criteria provided, conflicting classifications (1 of 4 stars). 4 submissions from 4 submitters: Uncertain significance (3); Likely benign (1). Last evaluated 2026-09-21.

Conditions:
PLEC-related disorder. Also called: PLEC-related disorders; PLEC-related condition.
Autosomal recessive limb-girdle muscular dystrophy type 2Q (LGMDR17). Also called: MUSCULAR DYSTROPHY, LIMB-GIRDLE, AUTOSOMAL RECESSIVE 17. Identifiers: Orphanet 254361, MedGen C3150989, MONDO:0013390, OMIM 613723.
Epidermolysis bullosa simplex 5B, with muscular dystrophy (EBS5B). Also called: EPIDERMOLYSIS BULLOSA SIMPLEX AND LIMB-GIRDLE MUSCULAR DYSTROPHY; Epidermolysis bullosa simplex with muscular dystrophy. Identifiers: Orphanet 257, MedGen C2931072, MONDO:0009181, OMIM 226670.
Epidermolysis bullosa simplex, Ogna type (EBS5A). Also called: Pidermolysis bullosa simplex 5A, Ogna type; EPIDERMOLYSIS BULLOSA SIMPLEX 5A, OGNA TYPE. Identifiers: Orphanet 79401, MedGen C0432317, MONDO:0007555, OMIM 131950.
Epidermolysis bullosa simplex 5C, with pyloric atresia (EBS5C). Also called: PLEC-Related Epidermolysis Bullosa with Pyloric Atresia; Epidermolysis bullosa simplex with pyloric atresia; PLEC1-Related Epidermolysis Bullosa with Pyloric Atresia. Identifiers: Orphanet 158684, MedGen C2677349, MONDO:0012807, OMIM 612138.
Epidermolysis bullosa simplex with nail dystrophy (EBS5D). Identifiers: MedGen C4225309, MONDO:0014661, OMIM 616487.

Allele frequency attached by ClinVar (database versions not stated): ExAC 0.00006; gnomAD 0.00017 and 0.00019; TOPMed 0.00017.

Submissions (4):

PreventionGenetics, part of Exact Sciences
Classification: Uncertain significance for PLEC-related condition. Last evaluated: 2026-09-21. Review status: criteria provided, single submitter. Criteria: ACMG Guidelines, 2015. Collection method: clinical testing. Allele origin: germline.
Comment: The PLEC c.8308G>A variant is predicted to result in the amino acid substitution p.Val2770Met. To our knowledge, this variant has not been reported in the literature. This variant is reported in 0.029% of alleles in individuals of African descent in gnomAD. At this time, the clinical significance of this variant is uncertain due to the absence of conclusive functional and genetic evidence.

CeGaT Center for Human Genetics Tuebingen
Classification: Likely benign. Last evaluated: 2025-10-01. Review status: criteria provided, single submitter. Criteria: CeGaT Center For Human Genetics Tuebingen Variant Classification Criteria Version 2. Collection method: clinical testing. Allele origin: germline. Affected: yes. Observed: 3 variant alleles.
Comment: PLEC: BP4

Labcorp Genetics (formerly Invitae), Labcorp
Classification: Uncertain significance for Autosomal recessive limb-girdle muscular dystrophy type 2Q; Epidermolysis bullosa simplex, Ogna type; Epidermolysis bullosa simplex with nail dystrophy; Epidermolysis bullosa simplex 5C, with pyloric atresia; Epidermolysis bullosa simplex 5B, with muscular dystrophy. Last evaluated: 2025-04-22. Review status: criteria provided, single submitter. Criteria: Invitae Variant Classification Sherloc (09022015). Collection method: clinical testing. Allele origin: germline.
Comment: This sequence change replaces valine, which is neutral and non-polar, with methionine, which is neutral and non-polar, at codon 2770 of the PLEC protein (p.Val2770Met). This variant is present in population databases (rs781889659, gnomAD 0.03%). This variant has not been reported in the literature in individuals affected with PLEC-related conditions. ClinVar contains an entry for this variant (Variation ID: 581494). Invitae Evidence Modeling of protein sequence and biophysical properties (such as structural, functional, and spatial information, amino acid conservation, physicochemical variation, residue mobility, and thermodynamic stability) has been performed for this missense variant. However, the output from this modeling did not meet the statistical confidence thresholds required to predict the impact of this variant on PLEC protein function. In summary, the available evidence is currently insufficient to determine the role of this variant in disease. Therefore, it has been classified as a Variant of Uncertain Significance.

Blueprint Genetics
Classification: Uncertain significance. Last evaluated: 2024-10-16. Review status: criteria provided, single submitter. Criteria: ACMG Guidelines, 2015. Collection method: clinical testing. Allele origin: germline.